The following is an entry in ClinVar:

NM_001257180.2(SLC20A2):c.1795G>A (p.Val599Met)

Gene: SLC20A2 (solute carrier family 20 member 2; minus strand). Cytogenetic location: 8p11.21.
Variant type: single nucleotide variant.
Coding change: c.1795G>A on transcript NM_001257180.2 (MANE Select); coding-DNA position 1795, G replaced by A.
Protein change: p.Val599Met; replaces valine 599 with methionine.
Molecular consequence: missense variant.
Genome position (GRCh38, 1-based): chr8:42,417,967, C>T on the plus strand (G>A on the coding strand, the complement: SLC20A2 is on the minus strand). VCF-style: chr8-42417967-C-T. GRCh37 (hg19) VCF-style: chr8-42275485-C-T.
Other names: c.1795G>A, p.Val599Met (NM_001257181.2, NM_006749.5); short protein forms V599M.
Identifiers: ClinVar variation 3691441 (VCV003691441.2).

ClinVar aggregate classification (germline): Uncertain significance (1 of 4 stars; one submission).

Submission:

Labcorp Genetics (formerly Invitae), Labcorp
Classification: Uncertain significance. Last evaluated: 2024-08-30. Review status: criteria provided, single submitter. Criteria: Invitae Variant Classification Sherloc (09022015). Collection method: clinical testing. Allele origin: germline.
Comment: This sequence change replaces valine, which is neutral and non-polar, with methionine, which is neutral and non-polar, at codon 599 of the SLC20A2 protein (p.Val599Met). This variant is not present in population databases (gnomAD no frequency). This variant has not been reported in the literature in individuals affected with SLC20A2-related conditions. An algorithm developed to predict the effect of missense changes on protein structure and function (PolyPhen-2) suggests that this variant is likely to be disruptive. In summary, the available evidence is currently insufficient to determine the role of this variant in disease. Therefore, it has been classified as a Variant of Uncertain Significance.